The following is an entry in ClinVar:

NM_000168.6(GLI3):c.753T>G (p.Tyr251Ter)

Gene: GLI3 (GLI family zinc finger 3; minus strand). Cytogenetic location: 7p14.1.
Variant type: single nucleotide variant.
Coding change: c.753T>G on transcript NM_000168.6 (MANE Select); coding-DNA position 753, T replaced by G.
Protein change: p.Tyr251Ter; replaces tyrosine 251 with a stop codon.
Molecular consequence: nonsense.
Genome position (GRCh38, 1-based): chr7:42,045,457, A>C on the plus strand (T>G on the coding strand, the complement: GLI3 is on the minus strand). VCF-style: chr7-42045457-A-C. GRCh37 (hg19) VCF-style: chr7-42085056-A-C.
Other names: short protein forms Y251*.
Identifiers: ClinVar variation 645072 (VCV000645072.7), dbSNP rs1583505882, ClinGen allele CA367331097.

ClinVar aggregate classification (germline): Pathogenic (1 of 4 stars; one submission).

Conditions:
Pallister-Hall syndrome (PHS). Also called: GLI3-Related Pallister-Hall Syndrome; HYPOTHALAMIC HAMARTOBLASTOMA, HYPOPITUITARISM, IMPERFORATE ANUS, AND POSTAXIAL POLYDACTYLY. Identifiers: Orphanet 672, MedGen C0265220, MONDO:0007804, OMIM 146510.
Greig cephalopolysyndactyly syndrome (GCPS). Also called: Greig syndrome; GLI3-Related Greig Cephalopolysyndactyly Syndrome; POLYSYNDACTYLY WITH PECULIAR SKULL SHAPE. Identifiers: Orphanet 380, MedGen C0265306, MONDO:0008287, OMIM 175700.

Submission:

Labcorp Genetics (formerly Invitae), Labcorp
Classification: Pathogenic for Pallister-Hall syndrome; Greig cephalopolysyndactyly syndrome. Last evaluated: 2018-08-01. Review status: criteria provided, single submitter. Criteria: Invitae Variant Classification Sherloc (09022015). Collection method: clinical testing. Allele origin: germline.
Comment: For these reasons, this variant has been classified as Pathogenic. Loss-of-function variants in GLI3 are known to be pathogenic (PMID: 10441570, 15739154). This variant has not been reported in the literature in individuals with GLI3-related disease. This variant is not present in population databases (ExAC no frequency). This sequence change creates a premature translational stop signal (p.Tyr251*) in the GLI3 gene. It is expected to result in an absent or disrupted protein product.

Literature cited by the submitters: PubMed 10441570; PubMed 15739154.